The following is an entry in ClinVar:

ClinVar aggregate classification (germline): Uncertain significance. Review status: criteria provided, multiple submitters, no conflicts (2 of 4 stars). 4 submissions from 4 submitters: Uncertain significance (4). Last evaluated 2025-12-10.

Conditions:
Inborn genetic diseases. Identifiers: MedGen C0950123, MeSH D030342.

Allele frequency attached by ClinVar (database versions not stated): gnomAD exomes 0.00001; ExAC 0.00003; gnomAD 0.00007; TOPMed 0.00007; ESP Exome Variant Server 0.00008; 1000 Genomes Project 30x 0.00016; 1000 Genomes Project 0.00020.
gnomAD v4.1: 28 of 1,614,140 alleles (0.0017%); highest among the groups gnomAD compares: African/African-American, 0.013%; no homozygotes.

Submissions (4):

Ambry Genetics
Classification: Uncertain significance for Inborn genetic diseases. Last evaluated: 2025-12-10. Review status: criteria provided, single submitter. Criteria: Ambry Variant Classification Scheme 2023. Collection method: clinical testing. Allele origin: germline.

Blueprint Genetics
Classification: Uncertain significance. Last evaluated: 2024-03-05. Review status: criteria provided, single submitter. Criteria: ACMG Guidelines, 2015. Collection method: clinical testing. Allele origin: germline.

Labcorp Genetics (formerly Invitae), Labcorp
Classification: Uncertain significance. Last evaluated: 2023-12-11. Review status: criteria provided, single submitter. Criteria: Invitae Variant Classification Sherloc (09022015). Collection method: clinical testing. Allele origin: germline.
Comment: This sequence change replaces aspartic acid, which is acidic and polar, with asparagine, which is neutral and polar, at codon 2975 of the LRP2 protein (p.Asp2975Asn). This variant is present in population databases (rs199812411, gnomAD 0.01%). This variant has not been reported in the literature in individuals affected with LRP2-related conditions. ClinVar contains an entry for this variant (Variation ID: 2156653). Advanced modeling of protein sequence and biophysical properties (such as structural, functional, and spatial information, amino acid conservation, physicochemical variation, residue mobility, and thermodynamic stability) performed at Invitae indicates that this missense variant is expected to disrupt LRP2 protein function with a positive predictive value of 95%. In summary, the available evidence is currently insufficient to determine the role of this variant in disease. Therefore, it has been classified as a Variant of Uncertain Significance.

GeneDx
Classification: Uncertain significance. Last evaluated: 2023-07-17. Review status: criteria provided, single submitter. Criteria: GeneDx Variant Classification Process June 2021. Collection method: clinical testing. Allele origin: germline. Affected: yes.
Comment: In silico analysis supports that this missense variant has a deleterious effect on protein structure/function; Has not been previously published as pathogenic or benign to our knowledge

NM_004525.3(LRP2):c.8923G>A (p.Asp2975Asn)

Gene: LRP2 (LDL receptor related protein 2; minus strand). Cytogenetic location: 2q31.1.
Variant type: single nucleotide variant.
Coding change: c.8923G>A on transcript NM_004525.3 (MANE Select); coding-DNA position 8923, G replaced by A.
Protein change: p.Asp2975Asn; replaces aspartic acid 2975 with asparagine.
Molecular consequence: missense variant.
Genome position (GRCh38, 1-based): chr2:169,191,941, C>T on the plus strand (G>A on the coding strand, the complement: LRP2 is on the minus strand). VCF-style: chr2-169191941-C-T. GRCh37 (hg19) VCF-style: chr2-170048451-C-T.
Other names: c.8923G>A (NM_004525.2); short protein forms D2975N.
Identifiers: ClinVar variation 2156653 (VCV002156653.7), dbSNP rs199812411, ClinGen allele CA1953715.
Genomic context (GRCh38, chr2:169,191,941, plus strand): 5'-CAGAGCAAGTTCTCCTGGTGCAATTCTGATTCTCATCGTAGCCGTCAGTACAATCCACAT[C>T]GCCATCACAGACCCAAGACTGGGGAATGCACCTCCTGTCCGGAGGTCTGTCATTTACACA-3'
Protein context (NP_004516.2, residues 2965-2985): CIPQSWVCDG[Asp2975Asn]VDCTDGYDEN